The following is an entry in ClinVar:

NM_139057.4(ADAMTS17):c.2883G>A (p.Pro961=)

Gene: ADAMTS17 (ADAM metallopeptidase with thrombospondin type 1 motif 17; minus strand). Cytogenetic location: 15q26.3.
Variant type: single nucleotide variant.
Coding change: c.2883G>A on transcript NM_139057.4 (MANE Select); coding-DNA position 2883, G replaced by A.
Protein change: p.Pro961=; no amino-acid change (proline 961 retained).
Molecular consequence: synonymous variant.
Genome position (GRCh38, 1-based): chr15:99,993,114, C>T on the plus strand (G>A on the coding strand, the complement: ADAMTS17 is on the minus strand). VCF-style: chr15-99993114-C-T. GRCh37 (hg19) VCF-style: chr15-100533319-C-T.
Identifiers: ClinVar variation 315259 (VCV000315259.32), dbSNP rs550282581, ClinGen allele CA7757542.

ClinVar aggregate classification (germline): Conflicting classifications of pathogenicity. Review status: criteria provided, conflicting classifications (1 of 4 stars). 4 submissions from 4 submitters: Uncertain significance (2); Likely benign (2). Last evaluated 2025-07-16.

Conditions:
Weill-Marchesani 4 syndrome, recessive. Also called: Weill-Marchesani syndrome 4. Identifiers: Orphanet 363992, MedGen C2750787, MONDO:0013176, OMIM 613195.

Allele frequency attached by ClinVar (database versions not stated): gnomAD exomes 0.00001 and 0.00004; ExAC 0.00002; TOPMed 0.00010; gnomAD 0.00011; 1000 Genomes Project 0.00020; 1000 Genomes Project 30x 0.00031.
gnomAD v4.1: 39 of 1,614,164 alleles (0.0024%); highest among the groups gnomAD compares: African/African-American, 0.019%; no homozygotes.

Submissions (4):

Labcorp Genetics (formerly Invitae), Labcorp
Classification: Likely benign. Last evaluated: 2025-07-16. Review status: criteria provided, single submitter. Criteria: Invitae Variant Classification Sherloc (09022015). Collection method: clinical testing. Allele origin: germline.

CeGaT Center for Human Genetics Tuebingen
Classification: Likely benign. Last evaluated: 2022-12-01. Review status: criteria provided, single submitter. Criteria: CeGaT Center For Human Genetics Tuebingen Variant Classification Criteria Version 2. Collection method: clinical testing. Allele origin: germline. Affected: yes. Observed: 1 variant allele.
Comment: ADAMTS17: BP4, BP7

Illumina Laboratory Services, Illumina
Classification: Uncertain significance for Weill-Marchesani 4 syndrome, recessive. Last evaluated: 2018-01-12. Review status: criteria provided, single submitter. Criteria: ICSL Variant Classification Criteria 13 December 2019. Collection method: clinical testing. Allele origin: germline.

Breakthrough Genomics
Classification: Uncertain significance. Review status: criteria provided, single submitter. Criteria: ACMG Guidelines, 2015. Collection method: not provided. Allele origin: germline. Inheritance: Autosomal recessive inheritance. Affected: yes.